The following is an entry in ClinVar:

NM_001377265.1(MAPT):c.2350A>G (p.Ile784Val)

Gene: MAPT (microtubule associated protein tau). Cytogenetic location: 17q21.31.
Variant type: single nucleotide variant.
Coding change: c.2350A>G on transcript NM_001377265.1 (MANE Select); coding-DNA position 2350, A replaced by G.
Protein change: p.Ile784Val; replaces isoleucine 784 with valine.
Molecular consequence: missense variant. On other transcripts: non-coding transcript variant (1), intron variant (1).
Genome position (GRCh38, 1-based): chr17:46,024,019, A>G. VCF-style: chr17-46024019-A-G. GRCh37 (hg19) VCF-style: chr17-44101385-A-G.
Other names: c.2179A>G, p.Ile727Val (NM_001123066.4); c.1087A>G, p.Ile363Val (NM_001123067.4); c.994A>G, p.Ile332Val (NM_001203251.2); c.1081A>G, p.Ile361Val (NM_001203252.2); c.2059A>G, p.Ile687Val (NM_001377266.1); c.907A>G, p.Ile303Val (NM_001377268.1, NM_016841.5); c.1174A>G, p.Ile392Val (NM_005910.6); c.1000A>G, p.Ile334Val (NM_016834.5); and 2 more; short protein forms I709V, I727V, I361V, I303V, I332V, I363V, I334V, I392V.
Identifiers: ClinVar variation 870547 (VCV000870547.6), dbSNP rs991713081, ClinGen allele CA291117944.
Genomic context (GRCh38, chr17:46,024,019, plus strand): 5'-GAAACCCACAAGCTGACCTTCCGCGAGAACGCCAAAGCCAAGACAGACCACGGGGCGGAG[A>G]TCGTGTACAAGTCGCCAGTGGTGTCTGGGGACACGTCTCCACGGCATCTCAGCAATGTCT-3'
Protein context (NP_001364194.1, residues 774-794): AKAKTDHGAE[Ile784Val]VYKSPVVSGD

ClinVar aggregate classification (germline): Uncertain significance. Review status: criteria provided, multiple submitters, no conflicts (2 of 4 stars). 2 submissions from 2 submitters: Uncertain significance (2). Last evaluated 2022-10-17.

Conditions:
Early-onset dementia of unclear type.
Frontotemporal dementia (FTD1). Also called: MULTIPLE SYSTEM TAUOPATHY WITH PRESENILE DEMENTIA; Frontotemporal lobe dementia (FLDEM); Dementia, frontotemporal, with or without parkinsonism; Frontotemporal Dementia with Parkinsonism-17 (FTDP-17); WILHELMSEN-LYNCH DISEASE; FRONTOTEMPORAL LOBAR DEGENERATION WITH TAU INCLUSIONS. Identifiers: Orphanet 282, MedGen C0338451, MONDO:0017276, OMIM 600274, HP:0002145.

Allele frequency attached by ClinVar (database versions not stated): gnomAD exomes below 0.00001; TOPMed 0.00001.
gnomAD v4.1: 7 of 1,614,088 alleles (0.00043%); highest among the groups gnomAD compares: Non-Finnish European, 0.00042%; no homozygotes.

Submissions (2):

Labcorp Genetics (formerly Invitae), Labcorp
Classification: Uncertain significance for Frontotemporal dementia. Last evaluated: 2022-10-17. Review status: criteria provided, single submitter. Criteria: Invitae Variant Classification Sherloc (09022015). Collection method: clinical testing. Allele origin: germline.
Comment: In summary, the available evidence is currently insufficient to determine the role of this variant in disease. Therefore, it has been classified as a Variant of Uncertain Significance. Advanced modeling of protein sequence and biophysical properties (such as structural, functional, and spatial information, amino acid conservation, physicochemical variation, residue mobility, and thermodynamic stability) performed at Invitae indicates that this missense variant is expected to disrupt MAPT protein function. ClinVar contains an entry for this variant (Variation ID: 870547). This missense change has been observed in individual(s) with dementia (PMID: 31836585). This variant is not present in population databases (gnomAD no frequency). This sequence change replaces isoleucine, which is neutral and non-polar, with valine, which is neutral and non-polar, at codon 392 of the MAPT protein (p.Ile392Val).

HudsonAlpha Institute for Biotechnology
Classification: Uncertain significance for Early-onset dementia of unclear type. Last evaluated: 2019-10-28. Review status: criteria provided, single submitter. Criteria: ACMG Guidelines, 2015. Collection method: research. Allele origin: unknown. Affected: yes.

Literature cited by the submitters: PubMed 31836585 (cited by Labcorp Genetics (formerly Invitae), Labcorp).